The following is an entry in ClinVar:

ClinVar aggregate classification (germline): Uncertain significance (1 of 4 stars; one submission).

Conditions:
Hypertrophic cardiomyopathy. Also called: HYPERTROPHIC MYOCARDIOPATHY. Identifiers: Orphanet 217569, MedGen C0007194, MeSH D002312, MONDO:0005045, HP:0001639.

gnomAD v4.1: 1 of 1,613,002 alleles (0.000062%); highest among the groups gnomAD compares: Non-Finnish European, 0.000085%; no homozygotes.

Submission:

Labcorp Genetics (formerly Invitae), Labcorp
Classification: Uncertain significance for Hypertrophic cardiomyopathy. Last evaluated: 2025-12-01. Review status: criteria provided, single submitter. Criteria: Invitae Variant Classification Sherloc (09022015). Collection method: clinical testing. Allele origin: germline.
Comment: This sequence change affects a donor splice site in intron 8 of the MYOM1 gene. It is expected to disrupt RNA splicing. Variants that disrupt the donor or acceptor splice site typically lead to a loss of protein function (PMID: 16199547), however the current clinical and genetic evidence is not sufficient to establish whether loss-of-function variants in MYOM1 cause disease. This variant is not present in population databases (gnomAD no frequency). This variant has not been reported in the literature in individuals affected with MYOM1-related conditions. Algorithms developed to predict the effect of sequence changes on RNA splicing suggest that this variant may disrupt the consensus splice site. In summary, the available evidence is currently insufficient to determine the role of this variant in disease. Therefore, it has been classified as a Variant of Uncertain Significance.

Literature cited by the submitters: PubMed 16199547.

NM_003803.4(MYOM1):c.1174+1G>C

Gene: MYOM1 (myomesin 1; minus strand). Cytogenetic location: 18p11.31.
Variant type: single nucleotide variant.
Coding change: c.1174+1G>C on transcript NM_003803.4 (MANE Select); the canonical splice donor site of the intron after coding-DNA position 1174, G replaced by C.
Molecular consequence: splice donor variant.
Genome position (GRCh38, 1-based): chr18:3,173,937, C>G on the plus strand (G>C on the coding strand, the complement: MYOM1 is on the minus strand). VCF-style: chr18-3173937-C-G. GRCh37 (hg19) VCF-style: chr18-3173935-C-G.
Other names: c.1174+1G>C (NM_019856.2).
Identifiers: ClinVar variation 4806672 (VCV004806672.1).